The following is an entry in ClinVar:

NM_205768.3(ZBTB18):c.1259C>T (p.Thr420Met)

Gene: ZBTB18 (zinc finger and BTB domain containing 18; plus strand). Cytogenetic location: 1q44.
Variant type: single nucleotide variant.
Coding change: c.1259C>T on transcript NM_205768.3 (MANE Select); coding-DNA position 1259, C replaced by T.
Protein change: p.Thr420Met; replaces threonine 420 with methionine.
Molecular consequence: missense variant. On other transcripts: 3 prime UTR variant (1).
Genome position (GRCh38, 1-based): chr1:244,055,033, C>T. VCF-style: chr1-244055033-C-T. GRCh37 (hg19) VCF-style: chr1-244218335-C-T.
Other names: c.1232C>T, p.Thr411Met (NM_001278196.2, NM_006352.5); c.*436C>T (NM_001421566.1); short protein forms T411M, T420M.
Identifiers: ClinVar variation 4820207 (VCV004820207.1).

ClinVar aggregate classification (germline): Likely benign (1 of 4 stars; one submission).

Conditions:
Intellectual developmental disorder, autosomal dominant 22. Also called: Intellectual disability, autosomal dominant 22. Identifiers: MedGen CN029689, MONDO:0012869, OMIM 612337.

gnomAD v4.1: 2 of 1,614,202 alleles (0.00012%); highest among the groups gnomAD compares: Non-Finnish European, 0.00017%; no homozygotes.

Submission:

Centre for Medical Genetics,  Mumbai
Classification: Likely benign for Intellectual developmental disorder, autosomal dominant 22. Last evaluated: 2026-03-23. Review status: criteria provided, single submitter. Criteria: ACMG Guidelines, 2015. Collection method: provider interpretation. Allele origin: germline. Inheritance: Autosomal dominant inheritance. Affected: no. Observed: 1 variant allele, 1 heterozygote.
Comment: The variant satisfies PM2 criteria; Extremely low frequency in gnomAD population databases. The variant satisfies PM1 criteria; Non-truncating non-synonymous variant is located in a mutational hot spot and/or critical and well-established functional domain. The variant satisfies PP2 criteria; Missense variant in a gene with low rate of benign missense mutations and for which missense mutation is a common mechanism of a disease. However, the variant satisfies BS2 criteria.

Literature cited by the submitters: PubMed 24193349.